The following is an entry in ClinVar:

NM_005120.3(MED12):c.4084G>C (p.Glu1362Gln)

Gene: MED12 (mediator complex subunit 12; plus strand). Cytogenetic location: Xq13.1.
Variant type: single nucleotide variant.
Coding change: c.4084G>C on transcript NM_005120.3 (MANE Select); coding-DNA position 4084, G replaced by C.
Protein change: p.Glu1362Gln; replaces glutamic acid 1362 with glutamine.
Molecular consequence: missense variant.
Genome position (GRCh38, 1-based): chrX:71,131,586, G>C. VCF-style: chrX-71131586-G-C. GRCh37 (hg19) VCF-style: chrX-70351436-G-C.
Other names: short protein forms E1362Q.
Identifiers: ClinVar variation 2007329 (VCV002007329.4), dbSNP rs2519698118, ClinGen allele CA413524993.

ClinVar aggregate classification (germline): Uncertain significance (1 of 4 stars; one submission).

Conditions:
FG syndrome (FGS). Identifiers: MedGen C0220769, MONDO:0002010.

Submission:

Labcorp Genetics (formerly Invitae), Labcorp
Classification: Uncertain significance for FG syndrome. Last evaluated: 2022-06-15. Review status: criteria provided, single submitter. Criteria: Invitae Variant Classification Sherloc (09022015). Collection method: clinical testing. Allele origin: germline.
Comment: In summary, the available evidence is currently insufficient to determine the role of this variant in disease. Therefore, it has been classified as a Variant of Uncertain Significance. Advanced modeling of protein sequence and biophysical properties (such as structural, functional, and spatial information, amino acid conservation, physicochemical variation, residue mobility, and thermodynamic stability) performed at Invitae indicates that this missense variant is expected to disrupt MED12 protein function. This variant has not been reported in the literature in individuals affected with MED12-related conditions. This variant is not present in population databases (gnomAD no frequency). This sequence change replaces glutamic acid, which is acidic and polar, with glutamine, which is neutral and polar, at codon 1362 of the MED12 protein (p.Glu1362Gln).